The following is an entry in ClinVar:

ClinVar aggregate classification (germline): Pathogenic. Review status: criteria provided, multiple submitters, no conflicts (2 of 4 stars). 2 submissions from 2 submitters: Pathogenic (2). Last evaluated 2025-02-11.

Conditions:
8q24.3 microdeletion syndrome. Also called: CHROMOSOME 8q24.3 DELETION SYNDROME; Verheij syndrome. Identifiers: Orphanet 508488, MedGen C3810023, MONDO:0014263, OMIM 615583.

Submissions (2):

GeneDx
Classification: Pathogenic. Last evaluated: 2025-02-11. Review status: criteria provided, single submitter. Criteria: GeneDx Variant Classification Process June 2021. Collection method: clinical testing. Allele origin: germline. Affected: yes.
Comment: Nonsense variant predicted to result in protein truncation or nonsense mediated decay in a gene for which loss of function is a known mechanism of disease; Not observed at significant frequency in large population cohorts (gnomAD); Has not been previously published as pathogenic or benign to our knowledge

Mendelics
Classification: Pathogenic for 8q24.3 microdeletion syndrome. Last evaluated: 2022-05-04. Review status: criteria provided, single submitter. Criteria: Mendelics Assertion Criteria 2019. Collection method: clinical testing. Allele origin: germline.

NM_078480.3(PUF60):c.271C>T (p.Gln91Ter)

Gene: PUF60 (poly(U) binding splicing factor 60; minus strand). Cytogenetic location: 8q24.3.
Variant type: single nucleotide variant.
Coding change: c.271C>T on transcript NM_078480.3 (MANE Select); coding-DNA position 271, C replaced by T.
Protein change: p.Gln91Ter; replaces glutamine 91 with a stop codon.
Molecular consequence: nonsense.
Genome position (GRCh38, 1-based): chr8:143,821,623, G>A on the plus strand (C>T on the coding strand, the complement: PUF60 is on the minus strand). VCF-style: chr8-143821623-G-A. GRCh37 (hg19) VCF-style: chr8-144903793-G-A.
Other names: c.142C>T, p.Gln48Ter (NM_001136033.3, NM_001271100.2); c.268C>T, p.Gln90Ter (NM_001271096.2, NM_001271098.2); c.184C>T, p.Gln62Ter (NM_001271097.2, NM_001271099.2); c.382C>T, p.Gln128Ter (NM_001362895.2, NM_001362896.2, NM_001362897.2); c.271C>T, p.Gln91Ter (NM_014281.5); c.271C>T (NM_078480.2); short protein forms Q128*, Q48*, Q62*, Q90*, Q91*.
Identifiers: ClinVar variation 1686112 (VCV001686112.2), dbSNP rs1464053660, ClinGen allele CA372495900.